The following is an entry in ClinVar:

ClinVar aggregate classification (germline): Likely pathogenic (1 of 4 stars; one submission).

Conditions:
Fanconi anemia complementation group P. Also called: SLX4-Related Fanconi Anemia. Identifiers: Orphanet 84, MedGen C3469542, MONDO:0013499, OMIM 613951.

Allele frequency attached by ClinVar (database versions not stated): gnomAD exomes below 0.00001 and 0.00001.

Submission:

Baylor Genetics
Classification: Likely pathogenic for Fanconi anemia complementation group P. Last evaluated: 2020-08-30. Review status: criteria provided, single submitter. Criteria: ACMG Guidelines, 2015. Collection method: clinical testing. Allele origin: unknown. Affected: yes. Study: CSER-TexasKidsCanSeq.
Comment: This variant was determined to be likely pathogenic according to ACMG Guidelines, 2015 [PMID:25741868].

NM_032444.4(SLX4):c.4585C>T (p.Gln1529Ter)

Gene: SLX4 (SLX4 structure-specific endonuclease subunit; minus strand). Cytogenetic location: 16p13.3.
Variant type: single nucleotide variant.
Coding change: c.4585C>T on transcript NM_032444.4 (MANE Select); coding-DNA position 4585, C replaced by T.
Protein change: p.Gln1529Ter; replaces glutamine 1529 with a stop codon.
Molecular consequence: nonsense.
Genome position (GRCh38, 1-based): chr16:3,589,053, G>A on the plus strand (C>T on the coding strand, the complement: SLX4 is on the minus strand). VCF-style: chr16-3589053-G-A. GRCh37 (hg19) VCF-style: chr16-3639054-G-A.
Other names: short protein forms Q1529*.
Identifiers: ClinVar variation 998225 (VCV000998225.1), dbSNP rs1237224833, ClinGen allele CA394516836.
Genomic context (GRCh38, chr16:3,589,053, plus strand): 5'-GCTACTCACTGGGTGTCTCTAACCCTTCGGGCTTCTGAGCTCCACCAGCGCTTGGCATCT[G>A]GGCCGGAGGAGGGGTCTCTGGAGGCCTCTGCTCTTCCCCGTCCCAAACGTCCCACAGAGC-3'